The following is an entry in ClinVar:

ClinVar aggregate classification (germline): Uncertain significance. Review status: criteria provided, multiple submitters, no conflicts (2 of 4 stars). 3 submissions from 3 submitters: Uncertain significance (3). Last evaluated 2026-02-19.

Conditions:
HGSNAT-related disorder. Also called: HGSNAT-related condition.
Mucopolysaccharidosis, MPS-III-C (MPS3C). Also called: SANFILIPPO SYNDROME C; MPS III C; MPS IIIC (Sanfilippo Syndrome Type C); MUCOPOLYSACCHARIDOSIS, TYPE IIIC; Mucopolysaccharidosis type IIIC (Sanfilippo C); mucopolysaccharidosis type 3C. Identifiers: Orphanet 581, Orphanet 79271, MedGen C0086649, MONDO:0009657, OMIM 252930.
Retinitis pigmentosa 73 (RP73). Identifiers: Orphanet 791, MedGen C4225287, MONDO:0014687, OMIM 616544.

Allele frequency attached by ClinVar (database versions not stated): gnomAD exomes 0.00017 and 0.00010; ExAC 0.00022; 1000 Genomes Project 30x 0.00078; 1000 Genomes Project 0.00040.
gnomAD v4.1: 149 of 1,601,502 alleles (0.0093%); highest among the groups gnomAD compares: South Asian, 0.16%; 1 homozygote.

Submissions (3):

PreventionGenetics, part of Exact Sciences
Classification: Uncertain significance for HGSNAT-related condition. Last evaluated: 2026-02-19. Review status: criteria provided, single submitter. Criteria: ACMG Guidelines, 2015. Collection method: clinical testing. Allele origin: germline.
Comment: The HGSNAT c.812G>A variant is predicted to result in the amino acid substitution p.Ser271Asn. To our knowledge, this variant has not been reported in the literature. This variant is reported in 0.14% of alleles in individuals of South Asian descent in gnomAD, which is likely too frequent to be a primary cause of disease. Although we suspect that this variant may be benign, at this time, the clinical significance of this variant is uncertain due to the absence of conclusive functional and genetic evidence.

Blueprint Genetics
Classification: Uncertain significance. Last evaluated: 2024-10-28. Review status: criteria provided, single submitter. Criteria: ACMG Guidelines, 2015. Collection method: clinical testing. Allele origin: germline.

Labcorp Genetics (formerly Invitae), Labcorp
Classification: Uncertain significance for Retinitis pigmentosa 73; Mucopolysaccharidosis, MPS-III-C. Last evaluated: 2024-02-26. Review status: criteria provided, single submitter. Criteria: Invitae Variant Classification Sherloc (09022015). Collection method: clinical testing. Allele origin: germline.
Comment: This sequence change replaces serine, which is neutral and polar, with asparagine, which is neutral and polar, at codon 271 of the HGSNAT protein (p.Ser271Asn). This variant is present in population databases (rs554146681, gnomAD 0.1%). This variant has not been reported in the literature in individuals affected with HGSNAT-related conditions. ClinVar contains an entry for this variant (Variation ID: 1485433). Advanced modeling of protein sequence and biophysical properties (such as structural, functional, and spatial information, amino acid conservation, physicochemical variation, residue mobility, and thermodynamic stability) has been performed at Invitae for this missense variant, however the output from this modeling did not meet the statistical confidence thresholds required to predict the impact of this variant on HGSNAT protein function. In summary, the available evidence is currently insufficient to determine the role of this variant in disease. Therefore, it has been classified as a Variant of Uncertain Significance.

NM_152419.3(HGSNAT):c.812G>A (p.Ser271Asn)

Gene: HGSNAT (heparan-alpha-glucosaminide N-acetyltransferase; plus strand). Cytogenetic location: 8p11.21.
Variant type: single nucleotide variant.
Coding change: c.812G>A on transcript NM_152419.3 (MANE Select); coding-DNA position 812, G replaced by A.
Protein change: p.Ser271Asn; replaces serine 271 with asparagine.
Molecular consequence: missense variant. On other transcripts: 5 prime UTR variant (1).
Genome position (GRCh38, 1-based): chr8:43,172,378, G>A. VCF-style: chr8-43172378-G-A. GRCh37 (hg19) VCF-style: chr8-43027521-G-A.
Other names: c.812G>A, p.Ser271Asn (NM_001363227.2, NM_001363228.2); c.-22G>A (NM_001363229.2); c.812G>A (NM_152419.2); short protein forms S271N.
Identifiers: ClinVar variation 1485433 (VCV001485433.6), dbSNP rs554146681, ClinGen allele CA4736632.